The following is an entry in ClinVar:

NM_006343.3(MERTK):c.2079+2T>G

Gene: MERTK (MER proto-oncogene, tyrosine kinase; plus strand). Cytogenetic location: 2q13.
Variant type: single nucleotide variant.
Coding change: c.2079+2T>G on transcript NM_006343.3 (MANE Select); the canonical splice donor site of the intron after coding-DNA position 2079, T replaced by G.
Molecular consequence: splice donor variant.
Genome position (GRCh38, 1-based): chr2:112,010,068, T>G. VCF-style: chr2-112010068-T-G. GRCh37 (hg19) VCF-style: chr2-112767645-T-G.
Identifiers: ClinVar variation 979014 (VCV000979014.10), dbSNP rs1677065097, ClinGen allele CA348234246.
Genomic context (GRCh38, chr2:112,010,068, plus strand): 5'-TGAAATACGGGGACCTGCATACTTACTTACTTTATTCCCGATTGGAGACAGGACCAAAGG[T>G]AATGATCTCCTTGTGTTACCCCTGAACACTTCTCAGGGCTTATGTGACTTAGCCAGGACA-3'

ClinVar aggregate classification (germline): Pathogenic. Review status: criteria provided, single submitter (1 of 4 stars). 2 submissions from 2 submitters: Pathogenic (1). 1 of the submissions does not count toward it. Last evaluated 2020-08-20.

Conditions:
Autosomal recessive retinitis pigmentosa. Identifiers: MedGen C0339526.

Allele frequency attached by ClinVar (database versions not stated): TOPMed 0.00001.

Submissions (2):

Labcorp Genetics (formerly Invitae), Labcorp
Classification: Pathogenic. Last evaluated: 2020-08-20. Review status: criteria provided, single submitter. Criteria: Invitae Variant Classification Sherloc (09022015). Collection method: clinical testing. Allele origin: germline.
Comment: This variant has been observed in individual(s) with inherited retinal dystrophy (PMID: 29659094, Invitae). Algorithms developed to predict the effect of sequence changes on RNA splicing suggest that this variant may disrupt the consensus splice site, but this prediction has not been confirmed by published transcriptional studies. Donor and acceptor splice site variants typically lead to a loss of protein function (PMID: 16199547), and loss-of-function variants in MERTK are known to be pathogenic (PMID: 24265693, 29659094). For these reasons, this variant has been classified as Pathogenic. This variant is not present in population databases (ExAC no frequency). This sequence change affects a donor splice site in intron 15 of the MERTK gene. It is expected to disrupt RNA splicing and likely results in an absent or disrupted protein product.

Faculty of Health Sciences, Beirut Arab University
Classification: Pathogenic for Autosomal recessive Retinitis Pigmentosa. Last evaluated: 2018-05-23. Review status: no assertion criteria provided. Collection method: literature only. Allele origin: germline. Affected: yes. Observed: 1 variant allele. Not counted in ClinVar's aggregate classification.

Literature cited by the submitters: PubMed 29659094 (cited by Labcorp Genetics (formerly Invitae), Labcorp and Faculty of Health Sciences, Beirut Arab University); PubMed 16199547 (cited by Labcorp Genetics (formerly Invitae), Labcorp); PubMed 24265693 (cited by Labcorp Genetics (formerly Invitae), Labcorp).